The following is an entry in ClinVar:

NM_005633.4(SOS1):c.1737G>C (p.Glu579Asp)

Gene: SOS1 (SOS Ras/Rac guanine nucleotide exchange factor 1; minus strand). Cytogenetic location: 2p22.1.
Variant type: single nucleotide variant.
Coding change: c.1737G>C on transcript NM_005633.4 (MANE Select); coding-DNA position 1737, G replaced by C.
Protein change: p.Glu579Asp; replaces glutamic acid 579 with aspartic acid.
Molecular consequence: missense variant.
Genome position (GRCh38, 1-based): chr2:39,022,691, C>G on the plus strand (G>C on the coding strand, the complement: SOS1 is on the minus strand). VCF-style: chr2-39022691-C-G. GRCh37 (hg19) VCF-style: chr2-39249832-C-G.
Other names: c.1716G>C, p.Glu572Asp (NM_001382394.1); c.1737G>C, p.Glu579Asp (NM_001382395.1); short protein forms E572D, E579D.
Identifiers: ClinVar variation 4807687 (VCV004807687.1).

ClinVar aggregate classification (germline): Uncertain significance (1 of 4 stars; one submission).

Conditions:
RASopathy. Also called: rasopathies; Noonan spectrum disorder. Identifiers: Orphanet 536391, MedGen C5555857, MONDO:0021060.

Submission:

Labcorp Genetics (formerly Invitae), Labcorp
Classification: Uncertain significance for RASopathy. Last evaluated: 2025-08-03. Review status: criteria provided, single submitter. Criteria: Invitae Variant Classification Sherloc (09022015). Collection method: clinical testing. Allele origin: germline.
Comment: This sequence change replaces glutamic acid, which is acidic and polar, with aspartic acid, which is acidic and polar, at codon 579 of the SOS1 protein (p.Glu579Asp). This variant is not present in population databases (gnomAD no frequency). This variant has not been reported in the literature in individuals affected with SOS1-related conditions. Invitae Evidence Modeling of protein sequence and biophysical properties (such as structural, functional, and spatial information, amino acid conservation, physicochemical variation, residue mobility, and thermodynamic stability) has been performed for this missense variant. However, the output from this modeling did not meet the statistical confidence thresholds required to predict the impact of this variant on SOS1 protein function. In summary, the available evidence is currently insufficient to determine the role of this variant in disease. Therefore, it has been classified as a Variant of Uncertain Significance.